The following is an entry in ClinVar:

NM_006172.4(NPPA):c.319C>T (p.Arg107Ter)

Genes: NPPA-AS1 (NPPA antisense RNA 1; plus strand), NPPA (natriuretic peptide A; minus strand), LOC114827827 (VISTA enhancer hs2123; plus strand). Cytogenetic location: 1p36.22.
Variant type: single nucleotide variant.
Coding change: c.319C>T on transcript NM_006172.4 (MANE Select); coding-DNA position 319, C replaced by T.
Protein change: p.Arg107Ter; replaces arginine 107 with a stop codon.
Molecular consequence: nonsense.
Genome position (GRCh38, 1-based): chr1:11,847,244, G>A on the plus strand (C>T on the coding strand, the complement: NPPA is on the minus strand). VCF-style: chr1-11847244-G-A. GRCh37 (hg19) VCF-style: chr1-11907301-G-A.
Other names: short protein forms R107*.
Identifiers: ClinVar variation 948535 (VCV000948535.8), dbSNP rs772104828, ClinGen allele CA597032.
Genomic context (GRCh38, chr1:11,847,244, plus strand): 5'-TCCGCAGGCTCCGAGGGGCAGTGAGCAGCGCCCTCAGCTTGCTTTTTAGGAGGGCAGATC[G>A]ATCAGAGGAGTCCCAGGGGCCCCGCCCGAGGGCACCTCCATCTCTCTGGGCTGGGCTGAC-3'

ClinVar aggregate classification (germline): Uncertain significance. Review status: criteria provided, multiple submitters, no conflicts (2 of 4 stars). 2 submissions from 2 submitters: Uncertain significance (2). Last evaluated 2022-12-14.

Conditions:
Atrial fibrillation, familial, 6 (ATFB6). Identifiers: MedGen C2677294, MONDO:0012816, OMIM 612201.
Atrial standstill 2 (ATRST2). Also called: ATRIAL DILATION AND STANDSTILL; CARDIOMYOPATHY, ATRIAL DILATED, WITH ATRIAL STANDSTILL. Identifiers: Orphanet 1344, MedGen C3810401, MONDO:0014329, OMIM 615745.

Allele frequency attached by ClinVar (database versions not stated): ExAC 0.00001; gnomAD 0.00003 and 0.00004; TOPMed 0.00003.
gnomAD v4.1: 11 of 1,613,404 alleles (0.00068%); highest among the groups gnomAD compares: African/African-American, 0.0067%; no homozygotes.

Submissions (2):

Labcorp Genetics (formerly Invitae), Labcorp
Classification: Uncertain significance for Atrial fibrillation, familial, 6. Last evaluated: 2022-12-14. Review status: criteria provided, single submitter. Criteria: Invitae Variant Classification Sherloc (09022015). Collection method: clinical testing. Allele origin: germline.
Comment: This sequence change creates a premature translational stop signal (p.Arg107*) in the NPPA gene. It is expected to result in an absent or disrupted protein product. However, the current clinical and genetic evidence is not sufficient to establish whether loss-of-function variants in NPPA cause disease. This variant is present in population databases (rs772104828, gnomAD 0.0009%). This variant has not been reported in the literature in individuals affected with NPPA-related conditions. ClinVar contains an entry for this variant (Variation ID: 948535). In summary, the available evidence is currently insufficient to determine the role of this variant in disease. Therefore, it has been classified as a Variant of Uncertain Significance.

Fulgent Genetics
Classification: Uncertain significance for Atrial fibrillation, familial, 6; Atrial standstill 2. Last evaluated: 2022-01-17. Review status: criteria provided, single submitter. Criteria: ACMG Guidelines, 2015. Collection method: clinical testing. Allele origin: unknown.